The following is an entry in ClinVar:

ClinVar aggregate classification (germline): Pathogenic (0 of 4 stars; one submission).

Submission:

Quest Diagnostics Nichols Institute San Juan Capistrano
Classification: Pathogenic. Last evaluated: 2021-05-01. Review status: no assertion criteria provided. Collection method: clinical testing. Allele origin: germline.
Comment: This imbalance is predicted to cause phenotypic and/or developmental abnormalities. This deletion includes the 22q11.2 central deletion syndrome (LCR22 B/C-D) region, which is associated with a variable clinical phenotype that may include: dysmorphic facial features, growth restriction/short stature, CNS anomalies/seizures, developmental delay (including language delay), intellectual disability, psychiatric/behavioral problems, skeletal anomalies, cardiovascular defects, genitourinary anomalies, and immune deficiency/recurrent infections. The phenotype exhibits reduced penetrance and variable expressivity (Burnside RD, Cytogenet Genome Res. 2015;146(2):89-99. PMID: 26278718). Haploinsufficiency of the CRKL gene is suggested as the etiology of conotruncal heart defects like Tetralogy of Fallot (Racedo S, et al., Am J Hum Genet. 2015 Feb 5;96(2):235-44. PMID: 25658046).

GRCh37/hg19 22q11.21(chr22:20728957-21915096)x1

Genes: P2RX6 (purinergic receptor P2X 6; plus strand), PI4KA (phosphatidylinositol 4-kinase alpha; minus strand), AIFM3 (AIF family member 3; plus strand), CRKL (CRK like proto-oncogene, adaptor protein; plus strand), GGT2 (gamma-glutamyltransferase 2; minus strand) and 15 more. Cytogenetic location: 22q11.21.
Variant type: copy number loss.
Change: copy number 1 (one copy instead of two) of chr22:20,728,957-21,915,096 (1.19 Mb, GRCh37 coordinates, 1-based), cytogenetic band 22q11.21.
Identifiers: ClinVar variation 1340542 (VCV001340542.1).